The following is an entry in ClinVar:

ClinVar aggregate classification (germline): Uncertain significance. Review status: criteria provided, multiple submitters, no conflicts (2 of 4 stars). 2 submissions from 2 submitters: Uncertain significance (2). Last evaluated 2024-11-19.

Conditions:
Hereditary cancer-predisposing syndrome. Also called: Hereditary neoplastic syndrome; Hereditary Cancer Syndrome; Tumor predisposition; Neoplastic Syndromes, Hereditary. Identifiers: Orphanet 140162, MedGen C0027672, MeSH D009386, MONDO:0015356.
Hereditary pheochromocytoma and paraganglioma. Also called: Hereditary pheochromocytoma-paraganglioma; Hereditary Paraganglioma-Pheochromocytoma Syndromes; Hereditary paragangliomas and pheochromocytomas. Identifiers: Orphanet 29072, MedGen C4274332, MONDO:0017366.

Submissions (2):

Labcorp Genetics (formerly Invitae), Labcorp
Classification: Uncertain significance for Hereditary pheochromocytoma and paraganglioma. Last evaluated: 2024-11-19. Review status: criteria provided, single submitter. Criteria: Invitae Variant Classification Sherloc (09022015). Collection method: clinical testing. Allele origin: germline.
Comment: This sequence change replaces leucine, which is neutral and non-polar, with methionine, which is neutral and non-polar, at codon 91 of the TMEM127 protein (p.Leu91Met). This variant is not present in population databases (gnomAD no frequency). This variant has not been reported in the literature in individuals affected with TMEM127-related conditions. ClinVar contains an entry for this variant (Variation ID: 1020688). An algorithm developed to predict the effect of missense changes on protein structure and function (PolyPhen-2) suggests that this variant is likely to be disruptive. In summary, the available evidence is currently insufficient to determine the role of this variant in disease. Therefore, it has been classified as a Variant of Uncertain Significance.

Ambry Genetics
Classification: Uncertain significance for Hereditary cancer-predisposing syndrome. Last evaluated: 2023-03-22. Review status: criteria provided, single submitter. Criteria: Ambry Variant Classification Scheme 2023. Collection method: clinical testing. Allele origin: germline.
Comment: The p.L91M variant (also known as c.271C>A), located in coding exon 2 of the TMEM127 gene, results from a C to A substitution at nucleotide position 271. The leucine at codon 91 is replaced by methionine, an amino acid with highly similar properties. This amino acid position is conserved. In addition, the in silico prediction for this alteration is inconclusive. Since supporting evidence is limited at this time, the clinical significance of this alteration remains unclear.

NM_017849.4(TMEM127):c.271C>A (p.Leu91Met)

Gene: TMEM127 (transmembrane protein 127; minus strand). Cytogenetic location: 2q11.2.
Variant type: single nucleotide variant.
Coding change: c.271C>A on transcript NM_017849.4 (MANE Select); coding-DNA position 271, C replaced by A.
Protein change: p.Leu91Met; replaces leucine 91 with methionine.
Molecular consequence: missense variant.
Genome position (GRCh38, 1-based): chr2:96,254,971, G>T on the plus strand (C>A on the coding strand, the complement: TMEM127 is on the minus strand). VCF-style: chr2-96254971-G-T. GRCh37 (hg19) VCF-style: chr2-96920709-G-T.
Other names: c.271C>A (NM_017849.3); c.271C>A, p.Leu91Met (NM_001193304.3); short protein forms L91M.
Identifiers: ClinVar variation 1020688 (VCV001020688.10), dbSNP rs1684174363, ClinGen allele CA347653612.